The following is an entry in ClinVar:

NM_000489.6(ATRX):c.559T>G (p.Tyr187Asp)

Gene: ATRX (ATRX chromatin remodeler; minus strand). Cytogenetic location: Xq21.1.
Variant type: single nucleotide variant.
Coding change: c.559T>G on transcript NM_000489.6 (MANE Select); coding-DNA position 559, T replaced by G.
Protein change: p.Tyr187Asp; replaces tyrosine 187 with aspartic acid.
Molecular consequence: missense variant.
Genome position (GRCh38, 1-based): chrX:77,688,853, A>C on the plus strand (T>G on the coding strand, the complement: ATRX is on the minus strand). VCF-style: chrX-77688853-A-C. GRCh37 (hg19) VCF-style: chrX-76944346-A-C.
Other names: c.445T>G, p.Tyr149Asp (NM_138270.5); short protein forms Y149D, Y187D.
Identifiers: ClinVar variation 3383180 (VCV003383180.2).

ClinVar aggregate classification (germline): Likely pathogenic (1 of 4 stars; one submission).

Conditions:
Intellectual disability-hypotonic facies syndrome, X-linked, 1 (MRXHF1). Also called: XLMR-HYPOTONIC FACIES SYNDROME; Smith Fineman Myers syndrome 1; HOLMES-GANG SYNDROME; CHUDLEY-LOWRY SYNDROME; Chudley syndrome 1; Chudley-Lowry-Hoar syndrome. Identifiers: Orphanet 73220, Orphanet 93970, Orphanet 93971, Orphanet 93972, Orphanet 93973, Orphanet 93974, Orphanet 93975, MedGen C4759781, MONDO:0010663, OMIM 309580.
Acquired hemoglobin H disease (ATMDS). Also called: Alpha-thalassemia myelodysplasia syndrome; Alpha-thalassemia myelodysplasia syndrome, somatic; Alpha-thalassemia-myelodysplastic syndrome. Identifiers: Orphanet 231401, MedGen C0585216, MONDO:0010328, OMIM 300448.
Alpha thalassemia-X-linked intellectual disability syndrome (ATRX). Also called: ALPHA-THALASSEMIA/MENTAL RETARDATION SYNDROME, X-LINKED; ATR, NONDELETION TYPE; ATR-X syndrome; Alpha thalassemia mental retardation syndrome, nondeletion type, X-linked; XLMR hypotonic face syndrome; X-linked alpha-thalassemia-mental retardation syndrome. Identifiers: Orphanet 847, MedGen C1845055, MONDO:0010519, OMIM 301040.

Submission:

Juno Genomics, Hangzhou Juno Genomics, Inc
Classification: Likely pathogenic for Acquired hemoglobin H disease; Alpha thalassemia-X-linked intellectual disability syndrome; Intellectual disability-hypotonic facies syndrome, X-linked, 1. Review status: criteria provided, single submitter. Criteria: ACMG Guidelines, 2015. Collection method: clinical testing. Allele origin: germline. Affected: yes.
Comment: Absent from controls (or at extremely low frequency if recessive) in Genome Aggregation Database, Exome Sequencing Project, 1000 Genomes Project, or Exome Aggregation Consortium.;Multiple lines of computational evidence support a deleterious effect on the gene or gene product (conservation, evolutionary, splicing impact, etc).;Missense variant in a gene that has a low rate of benign missense variation and where missense variants are a common mechanism of disease.;Located in a mutational hot spot and/or critical and well-established functional domain (e.g. active site of an enzyme) without benign variation.